The following is an entry in ClinVar:

NM_001615.4(ACTG2):c.188G>A (p.Arg63Gln)

Gene: ACTG2 (actin gamma 2, smooth muscle; plus strand). Cytogenetic location: 2p13.1.
Variant type: single nucleotide variant.
Coding change: c.188G>A on transcript NM_001615.4 (MANE Select); coding-DNA position 188, G replaced by A.
Protein change: p.Arg63Gln; replaces arginine 63 with glutamine.
Molecular consequence: missense variant. On other transcripts: intron variant (1).
Genome position (GRCh38, 1-based): chr2:73,902,421, G>A. VCF-style: chr2-73902421-G-A. GRCh37 (hg19) VCF-style: chr2-74129548-G-A.
Other names: c.126+984G>A (NM_001199893.2); short protein forms R63Q.
Identifiers: ClinVar variation 694269 (VCV000694269.9), dbSNP rs1573462811, ClinGen allele CA347302286.

ClinVar aggregate classification (germline): Pathogenic. Review status: criteria provided, single submitter (1 of 4 stars). 2 submissions from 2 submitters: Pathogenic (1). 1 of the submissions does not count toward it. Last evaluated 2019-09-30.

Conditions:
Visceral myopathy 1 (VSCM1). Also called: Infantile visceral myopathy; Visceral myopathy; ACTG2 Visceral Myopathy. Identifiers: Orphanet 2604, MedGen C5542197, MONDO:0020754, OMIM 155310.
Megacystis-microcolon-intestinal hypoperistalsis syndrome 5. Identifiers: MedGen C5543636, MONDO:0030329, OMIM 619431.

Submissions (2):

Wangler Lab, Baylor College of Medicine
Classification: Pathogenic for Visceral myopathy 1. Last evaluated: 2019-09-30. Review status: criteria provided, single submitter. Criteria: Assia Batzir et al. (Cold Spring Harb Mol Case Stud. 2019);. Collection method: case-control. Allele origin: de novo. Inheritance: Autosomal dominant inheritance. Affected: yes. Observed: 3 variant alleles.
Comment: The p.R63Q was seen in 3 individuals with visceral myopathy in the BCM MMIHS cohort as of September 2019. One was de novo, one family was maternally inherited and the mother exhibited uterine atony, and the other variant's inheritance could not be determined. The p.R63G variant in ACTG2 is also pathogenic.

OMIM
Classification: Pathogenic for MEGACYSTIS-MICROCOLON-INTESTINAL HYPOPERISTALSIS SYNDROME 5. Last evaluated: 2025-05-21. Review status: no assertion criteria provided. Collection method: literature only. Allele origin: germline. Not counted in ClinVar's aggregate classification.

Literature cited by the submitters: PubMed 26647307 (cited by OMIM); PubMed 31769566 (cited by OMIM).